The following is an entry in ClinVar:

ClinVar aggregate classification (germline): Uncertain significance. Review status: criteria provided, multiple submitters, no conflicts (2 of 4 stars). 2 submissions from 2 submitters: Uncertain significance (2). Last evaluated 2024-03-07.

Conditions:
Arrhythmogenic right ventricular dysplasia 11. Also called: Arrhythmogenic Right Ventricular Dysplasia/Cardiomyopathy11; ARRHYTHMOGENIC RIGHT VENTRICULAR DYSPLASIA, FAMILIAL, 11; Arrhythmogenic right ventricular dysplasia 11 with mild palmoplantar keratoderma and woolly hair. Identifiers: MedGen C1864850, MONDO:0012506, OMIM 610476.
Cardiomyopathy (CMYO). Also called: Cardiomyopathies. Identifiers: Orphanet 167848, MedGen C0878544, MONDO:0004994, HP:0001638. Inheritance: Various modes of inheritance.

gnomAD v4.1: 2 of 1,613,900 alleles (0.00012%); highest among the groups gnomAD compares: Non-Finnish European, 0.00017%; no homozygotes.

Submissions (2):

Color Diagnostics, LLC DBA Color Health
Classification: Uncertain significance for Cardiomyopathy. Last evaluated: 2024-03-07. Review status: criteria provided, single submitter. Criteria: ACMG Guidelines, 2015. Collection method: clinical testing. Allele origin: germline.
Comment: This missense variant replaces leucine with phenylalanine at codon 195 of the DSC2 protein. Computational prediction suggests that this variant may not impact protein structure and function (internally defined REVEL score threshold <= 0.5, PMID: 27666373). To our knowledge, functional studies have not been reported for this variant. This variant has not been reported in individuals affected with cardiovascular disorders in the literature. This variant has not been identified in the general population by the Genome Aggregation Database (gnomAD). The available evidence is insufficient to determine the role of this variant in disease conclusively. Therefore, this variant is classified as a Variant of Uncertain Significance.

Labcorp Genetics (formerly Invitae), Labcorp
Classification: Uncertain significance for Arrhythmogenic right ventricular dysplasia 11. Last evaluated: 2021-04-14. Review status: criteria provided, single submitter. Criteria: Invitae Variant Classification Sherloc (09022015). Collection method: clinical testing. Allele origin: germline.
Comment: In summary, the available evidence is currently insufficient to determine the role of this variant in disease. Therefore, it has been classified as a Variant of Uncertain Significance. Algorithms developed to predict the effect of missense changes on protein structure and function are either unavailable or do not agree on the potential impact of this missense change (SIFT: "Deleterious"; PolyPhen-2: "Probably Damaging"; Align-GVGD: "Class C0"). This variant has not been reported in the literature in individuals with DSC2-related conditions. This variant is not present in population databases (ExAC no frequency). This sequence change replaces leucine with phenylalanine at codon 195 of the DSC2 protein (p.Leu195Phe). The leucine residue is moderately conserved and there is a small physicochemical difference between leucine and phenylalanine.

NM_024422.6(DSC2):c.585G>C (p.Leu195Phe)

Gene: DSC2 (desmocollin 2; minus strand). Cytogenetic location: 18q12.1.
Variant type: single nucleotide variant.
Coding change: c.585G>C on transcript NM_024422.6 (MANE Select); coding-DNA position 585, G replaced by C.
Protein change: p.Leu195Phe; replaces leucine 195 with phenylalanine.
Molecular consequence: missense variant.
Genome position (GRCh38, 1-based): chr18:31,089,484, C>G on the plus strand (G>C on the coding strand, the complement: DSC2 is on the minus strand). VCF-style: chr18-31089484-C-G. GRCh37 (hg19) VCF-style: chr18-28669447-C-G.
Other names: c.585G>C, p.Leu195Phe (NM_004949.5); short protein forms L195F.
Identifiers: ClinVar variation 1171631 (VCV001171631.11), dbSNP rs912124448, ClinGen allele CA402113509.